The following is an entry in ClinVar:

ClinVar aggregate classification (germline): Uncertain significance (1 of 4 stars; one submission).

Conditions:
Hereditary cancer-predisposing syndrome. Also called: Neoplastic Syndromes, Hereditary; Tumor predisposition; Hereditary Cancer Syndrome; Hereditary neoplastic syndrome. Identifiers: Orphanet 140162, MedGen C0027672, MeSH D009386, MONDO:0015356.

Submission:

Ambry Genetics
Classification: Uncertain significance for Hereditary cancer-predisposing syndrome. Last evaluated: 2025-12-11. Review status: criteria provided, single submitter. Criteria: Ambry Variant Classification Scheme 2023. Collection method: clinical testing. Allele origin: germline.
Comment: The p.K247N variant (also known as c.741A>T), located in coding exon 4 of the MSH6 gene, results from an A to T substitution at nucleotide position 741. The lysine at codon 247 is replaced by asparagine, an amino acid with similar properties. This amino acid position is conserved. In addition, the in silico prediction for this alteration is inconclusive. Based on the available evidence, the clinical significance of this variant remains unclear.

NM_000179.3(MSH6):c.741A>T (p.Lys247Asn)

Gene: MSH6 (mutS homolog 6; plus strand). Cytogenetic location: 2p16.3.
Variant type: single nucleotide variant.
Coding change: c.741A>T on transcript NM_000179.3 (MANE Select); coding-DNA position 741, A replaced by T.
Protein change: p.Lys247Asn; replaces lysine 247 with asparagine.
Molecular consequence: missense variant. On other transcripts: 5 prime UTR variant (9), non-coding transcript variant (4), intron variant (1).
Genome position (GRCh38, 1-based): chr2:47,798,724, A>T. VCF-style: chr2-47798724-A-T. GRCh37 (hg19) VCF-style: chr2-48025863-A-T.
Other names: c.351A>T, p.Lys117Asn (NM_001281492.2); c.-166A>T (NM_001281493.2, NM_001281494.2, NM_001406811.1 and 6 more transcripts); c.837A>T, p.Lys279Asn (NM_001406795.1, NM_001406802.1); c.741A>T, p.Lys247Asn (NM_001406796.1, NM_001406798.1, NM_001406800.1 and 4 more transcripts); c.444A>T, p.Lys148Asn (NM_001406797.1, NM_001406801.1, NM_001406805.1 and 10 more transcripts); c.216A>T, p.Lys72Asn (NM_001406799.1, NM_001406806.1, NM_001406807.1); c.663A>T, p.Lys221Asn (NM_001406804.1); c.747A>T, p.Lys249Asn (NM_001406813.1); and 2 more; short protein forms K247N, K72N, K117N, K148N, K221N, K191N, K279N, K249N.
Identifiers: ClinVar variation 4658363 (VCV004658363.1).